The following is an entry in ClinVar:

NM_001277115.2(DNAH11):c.10691+1G>T

Gene: DNAH11 (dynein axonemal heavy chain 11; plus strand). Cytogenetic location: 7p15.3.
Variant type: single nucleotide variant.
Coding change: c.10691+1G>T on transcript NM_001277115.2 (MANE Select); the canonical splice donor site of the intron after coding-DNA position 10691, G replaced by T.
Molecular consequence: splice donor variant.
Genome position (GRCh38, 1-based): chr7:21,818,340, G>T. VCF-style: chr7-21818340-G-T. GRCh37 (hg19) VCF-style: chr7-21857958-G-T.
Identifiers: ClinVar variation 2897275 (VCV002897275.4), dbSNP rs1789901930, ClinGen allele CA366950120.

ClinVar aggregate classification (germline): Pathogenic/Likely pathogenic. Review status: criteria provided, multiple submitters, no conflicts (2 of 4 stars). 2 submissions from 2 submitters: Pathogenic (1); Likely pathogenic (1). Last evaluated 2024-04-04.

Conditions:
Primary ciliary dyskinesia. Also called: Ciliary dyskinesia. Identifiers: Orphanet 244, MedGen C0008780, MONDO:0016575, HP:0012265.
Primary ciliary dyskinesia 7. Also called: CILIARY DYSKINESIA, PRIMARY, 7, WITH OR WITHOUT SITUS INVERSUS. Identifiers: Orphanet 244, MedGen C2678473, MONDO:0012748, OMIM 611884.

Submissions (2):

Fulgent Genetics
Classification: Likely pathogenic for Primary ciliary dyskinesia 7. Last evaluated: 2024-04-04. Review status: criteria provided, single submitter. Criteria: ACMG Guidelines, 2015. Collection method: clinical testing. Allele origin: germline.

Labcorp Genetics (formerly Invitae), Labcorp
Classification: Pathogenic for Primary ciliary dyskinesia. Last evaluated: 2023-06-20. Review status: criteria provided, single submitter. Criteria: Invitae Variant Classification Sherloc (09022015). Collection method: clinical testing. Allele origin: germline.
Comment: This sequence change affects a donor splice site in intron 65 of the DNAH11 gene. RNA analysis indicates that disruption of this splice site induces altered splicing and may result in an absent or disrupted protein product. This variant is not present in population databases (gnomAD no frequency). For these reasons, this variant has been classified as Pathogenic. Studies have shown that disruption of this splice site results in activation of a cryptic splice site and introduces a premature termination codon (PMID: 33608380). The resulting mRNA is expected to undergo nonsense-mediated decay. Disruption of this splice site has been observed in individual(s) with primary ciliary dyskinesia (PMID: 33608380).

Literature cited by the submitters: PubMed 33608380 (cited by Labcorp Genetics (formerly Invitae), Labcorp).